The following is an entry in ClinVar:

NM_000352.6(ABCC8):c.4114C>T (p.Gln1372Ter)

Gene: ABCC8 (ATP binding cassette subfamily C member 8; minus strand). Cytogenetic location: 11p15.1.
Variant type: single nucleotide variant.
Coding change: c.4114C>T on transcript NM_000352.6 (MANE Select); coding-DNA position 4114, C replaced by T.
Protein change: p.Gln1372Ter; replaces glutamine 1372 with a stop codon.
Molecular consequence: nonsense. On other transcripts: non-coding transcript variant (1).
Genome position (GRCh38, 1-based): chr11:17,396,921, G>A on the plus strand (C>T on the coding strand, the complement: ABCC8 is on the minus strand). VCF-style: chr11-17396921-G-A. GRCh37 (hg19) VCF-style: chr11-17418468-G-A.
Other names: NM_001287174.3:c.4117C>T; c.4117C>T, p.Gln1373Ter (NM_001287174.3); c.4180C>T, p.Gln1394Ter (NM_001351295.2); c.4114C>T, p.Gln1372Ter (NM_001351296.2); c.4111C>T, p.Gln1371Ter (NM_001351297.2); short protein forms Q1371*, Q1372*, Q1373*, Q1394*.
Identifiers: ClinVar variation 2576197 (VCV002576197.2), dbSNP rs530152803, ClinGen allele CA5902582.

ClinVar aggregate classification (germline): Pathogenic. Review status: criteria provided, multiple submitters, no conflicts (2 of 4 stars). 2 submissions from 2 submitters: Pathogenic (2). Last evaluated 2023-09-17.

Conditions:
Hyperinsulinemic hypoglycemia, familial, 1 (HHF1). Also called: Persistent hyperinsulinemic hypoglycemia of infancy; HYPERINSULINISM, FAMILIAL, WITH PANCREATIC NESIDIOBLASTOSIS; HYPOGLYCEMIA, HYPERINSULINEMIC, OF INFANCY; NESIDIOBLASTOSIS OF PANCREAS; Persistent Hyperinsulinemia Hypoglycemia of Infancy. Identifiers: Orphanet 276575, Orphanet 276598, MedGen C2931832, MONDO:0009734, OMIM 256450.

Allele frequency attached by ClinVar (database versions not stated): 1000 Genomes Project 0.00020; gnomAD exomes below 0.00001; ExAC 0.00001; gnomAD 0.00001; 1000 Genomes Project 30x 0.00016.
gnomAD v4.1: 2 of 1,614,072 alleles (0.00012%); highest among the groups gnomAD compares: South Asian, 0.0011%; no homozygotes.

Submissions (2):

Myriad Genetics, Inc.
Classification: Pathogenic for Hyperinsulinemic hypoglycemia, familial, 1. Last evaluated: 2023-09-17. Review status: criteria provided, single submitter. Criteria: Myriad Autosomal Dominant, Autosomal Recessive and X-Linked Classification Criteria (2023). Collection method: clinical testing. Allele origin: unknown.
Comment: NM_000352.3(ABCC8):c.4114C>T(Q1372*) is expected to be pathogenic in the context of familial hyperinsulinism, ABCC8-related. This variant is predicted to lead to an abnormal or absent protein product due to the creation of a premature termination codon in ABCC8, a gene where loss-of-function variants are known to be pathogenic. Please note: this variant was assessed in the context of healthy population screening.

Broad Center for Mendelian Genomics, Broad Institute of MIT and Harvard
Classification: Pathogenic for Hyperinsulinemic hypoglycemia, familial, 1. Last evaluated: 2023-08-16. Review status: criteria provided, single submitter. Criteria: ACMG Guidelines, 2015. Collection method: curation. Allele origin: germline. Inheritance: Autosomal recessive inheritance.
Comment: The p.Gln1372Ter variant in ABCC8 has been reported in 1 individual, in the compound heterozygous state, with hyperinsulinemic hypoglycemia (PMID: 23345197), and has been identified in 0.003% (1/30616) of South Asian chromosomes by the Genome Aggregation Database (gnomAD; dbSNP ID: rs530152803). Although this variant has been seen in the general population in a heterozygous state, its frequency is low enough to be consistent with a recessive carrier frequency. This nonsense variant leads to a premature termination codon at position 1372, which is predicted to lead to a truncated or absent protein. Loss of function of the ABCC8 gene is an established disease mechanism in autosomal recessive hyperinsulinemic hypoglycemia. In summary, this variant meets criteria to be classified as pathogenic for autosomal recessive hyperinsulinemic hypoglycemia. ACMG/AMP Criteria applied: PM3, PM2_supporting, PVS1 (Richards 2015).